The following is an entry in ClinVar:

NM_001005242.3(PKP2):c.68del (p.Gly23fs)

Gene: PKP2 (plakophilin 2; minus strand). Cytogenetic location: 12p11.21.
Variant type: Deletion.
Coding change: c.68del on transcript NM_001005242.3 (MANE Select); coding-DNA position 68, one base deleted (G; older notation c.68delG).
Protein change: p.Gly23fs; shifts the reading frame from glycine 23.
Molecular consequence: frameshift variant.
Genome position (GRCh38, 1-based): chr12:32,896,664, C deleted on the plus strand (G on the coding strand, the reverse complement: PKP2 is on the minus strand); the first of 3 consecutive C bases (chr12:32,896,664-32,896,666); deleting any one gives the same sequence. VCF-style (leftmost placement, unchanged base first): chr12-32896663-TC-T. GRCh37 (hg19) VCF-style: chr12-33049597-TC-T.
Other names: c.68delG (NM_004572.3); c.68del, p.Gly23fs (NM_004572.4); short protein forms G23fs.
Identifiers: ClinVar variation 464431 (VCV000464431.11), dbSNP rs1555149975, ClinGen allele CA658658134.

ClinVar aggregate classification (germline): Pathogenic. Review status: criteria provided, multiple submitters, no conflicts (2 of 4 stars). 3 submissions from 3 submitters: Pathogenic (3). Last evaluated 2024-10-02.

Conditions:
Arrhythmogenic right ventricular dysplasia 9 (ARVD9). Also called: Arrhythmogenic Right Ventricular Dysplasia/Cardiomyopathy 9; ARRHYTHMOGENIC RIGHT VENTRICULAR DYSPLASIA, FAMILIAL, 9. Identifiers: MedGen C1836906, MONDO:0012180, OMIM 609040.
Cardiovascular phenotype. Identifiers: MedGen CN230736.

Submissions (3):

Ambry Genetics
Classification: Pathogenic for Cardiovascular phenotype. Last evaluated: 2024-10-02. Review status: criteria provided, single submitter. Criteria: Ambry Variant Classification Scheme 2023. Collection method: clinical testing. Allele origin: germline.
Comment: The c.68delG pathogenic mutation, located in coding exon 1 of the PKP2 gene, results from a deletion of one nucleotide at nucleotide position 68, causing a translational frameshift with a predicted alternate stop codon (p.G23Dfs*16). This variant is considered to be rare based on population cohorts in the Genome Aggregation Database (gnomAD). This alteration is expected to result in loss of function by premature protein truncation or nonsense-mediated mRNA decay. As such, this alteration is interpreted as a disease-causing mutation.

Labcorp Genetics (formerly Invitae), Labcorp
Classification: Pathogenic for Arrhythmogenic right ventricular dysplasia 9. Last evaluated: 2019-06-11. Review status: criteria provided, single submitter. Criteria: Invitae Variant Classification Sherloc (09022015). Collection method: clinical testing. Allele origin: germline.
Comment: For these reasons, this variant has been classified as Pathogenic. While this particular variant has not been reported in the literature, loss-of-function variants in PKP2 are known to be pathogenic (PMID: 15489853). This sequence change deletes 1 nucleotide from exon 1 of the PKP2 mRNA (c.68delG), causing a frameshift at codon 23. This creates a premature translational stop signal (p.Gly23Aspfs*16) and is expected to result in an absent or disrupted protein product.

Stanford Center for Inherited Cardiovascular Disease, Stanford University
Classification: Pathogenic. Last evaluated: 2017-04-11. Review status: criteria provided, single submitter. Criteria: ACMG Guidelines, 2015. Collection method: provider interpretation. Allele origin: germline.

Literature cited by the submitters: PubMed 15489853 (cited by Labcorp Genetics (formerly Invitae), Labcorp).